The following is an entry in ClinVar:

NM_006922.4(SCN3A):c.603-168G>C

Gene: SCN3A (sodium voltage-gated channel alpha subunit 3; minus strand). Cytogenetic location: 2q24.3.
Variant type: single nucleotide variant.
Coding change: c.603-168G>C on transcript NM_006922.4 (MANE Select); 168 bases into the intron before coding-DNA position 603, G replaced by C.
Molecular consequence: intron variant. On other transcripts: missense variant (1).
Genome position (GRCh38, 1-based): chr2:165,163,877, C>G on the plus strand (G>C on the coding strand, the complement: SCN3A is on the minus strand). VCF-style: chr2-165163877-C-G. GRCh37 (hg19) VCF-style: chr2-166020387-C-G.
Other names: c.619G>C, p.Val207Leu (NM_001081677.2); c.603-168G>C (NM_001081676.2); short protein forms V207L.
Identifiers: ClinVar variation 5016841 (VCV005016841.1).

ClinVar aggregate classification (germline): Uncertain significance (1 of 4 stars; one submission).

gnomAD v4.1: 3 of 1,613,570 alleles (0.00019%); highest among the groups gnomAD compares: African/African-American, 0.0013%; no homozygotes.

Submission:

GeneDx
Classification: Uncertain significance. Last evaluated: 2026-03-27. Review status: criteria provided, single submitter. Criteria: GeneDx Variant Classification Process June 2021. Collection method: clinical testing. Allele origin: germline.
Comment: Identified in a patient from a cohort of individuals with childhood epilepsy (PMID: 30977854); Not observed at significant frequency in large population cohorts (gnomAD); In silico analysis supports a deleterious effect on splicing; Reported using an alternate transcript of the gene; This variant is associated with the following publications: (PMID: 30977854)